The following is an entry in ClinVar:

ClinVar aggregate classification (germline): Likely benign (0 of 4 stars; one submission).

Conditions:
SEMA3D-related disorder. Also called: SEMA3D-related condition.

Allele frequency attached by ClinVar (database versions not stated): 1000 Genomes Project 0.00020; 1000 Genomes Project 30x 0.00031; ExAC 0.00045; ESP Exome Variant Server 0.00046; TOPMed 0.00051; gnomAD 0.00053; gnomAD exomes 0.00101.
gnomAD v4.1: 1,525 of 1,579,300 alleles (0.097%); highest among the groups gnomAD compares: Non-Finnish European, 0.12%; 1 homozygote.

Submission:

PreventionGenetics, part of Exact Sciences
Classification: Likely benign for SEMA3D-related condition. Last evaluated: 2021-09-09. Review status: no assertion criteria provided. Collection method: clinical testing. Allele origin: germline.
Comment: This variant is classified as likely benign based on ACMG/AMP sequence variant interpretation guidelines (Richards et al. 2015 PMID: 25741868, with internal and published modifications).

NM_001384900.1(SEMA3D):c.168T>C (p.Asn56=)

Gene: SEMA3D (semaphorin 3D; minus strand). Cytogenetic location: 7q21.11.
Variant type: single nucleotide variant.
Coding change: c.168T>C on transcript NM_001384900.1 (MANE Select); coding-DNA position 168, T replaced by C.
Protein change: p.Asn56=; no amino-acid change (asparagine 56 retained).
Molecular consequence: synonymous variant.
Genome position (GRCh38, 1-based): chr7:85,097,949, A>G on the plus strand (T>C on the coding strand, the complement: SEMA3D is on the minus strand). VCF-style: chr7-85097949-A-G. GRCh37 (hg19) VCF-style: chr7-84727265-A-G.
Other names: c.168T>C, p.Asn56= (NM_001384901.1, NM_001384902.1, NM_001384903.1 and 1 more transcripts).
Identifiers: ClinVar variation 3048683 (VCV003048683.2), dbSNP rs150205604, ClinGen allele CA4323839.
Genomic context (GRCh38, chr7:85,097,949, plus strand): 5'-ATCTAAGAGAAGAGTTTGAAAATCCAGTCCTTCTGATGAACCCAAAAAGGGAATACAGCT[A>G]TTTGAAAGCAGCAAGTCTATGGAAAGCAAAAAAAGAAAAGAAAGGAGAAAGAAAAAAGAA-3'
Protein context (NP_001371829.1, residues 46-66): KLTYKDLLLS[Asn56=]SCIPFLGSSE